The following is an entry in ClinVar:

NM_001194998.2(CEP152):c.1183del (p.Cys395fs)

Gene: CEP152 (centrosomal protein 152; minus strand). Cytogenetic location: 15q21.1.
Variant type: Deletion.
Coding change: c.1183del on transcript NM_001194998.2 (MANE Select); coding-DNA position 1183, one base deleted (T; older notation c.1183delT).
Protein change: p.Cys395fs; shifts the reading frame from cysteine 395.
Molecular consequence: frameshift variant.
Genome position (GRCh38, 1-based): chr15:48,784,111, A deleted on the plus strand (T on the coding strand, the reverse complement: CEP152 is on the minus strand); the first of 3 consecutive A bases (chr15:48,784,111-48,784,113); deleting any one gives the same sequence. VCF-style (leftmost placement, unchanged base first): chr15-48784110-CA-C. GRCh37 (hg19) VCF-style: chr15-49076307-CA-C.
Other names: c.1183del, p.Cys395fs (NM_014985.4); short protein forms C395fs.
Identifiers: ClinVar variation 2801439 (VCV002801439.3), dbSNP rs2504825600, ClinGen allele CA2739269455.
Genomic context (GRCh38, chr15:48,784,110, plus strand): 5'-TCTAACTTGATTGCTTCTTGATTCCTTTCCAGTTGTTTCACGTGATCTTTCAGACGAGAG[CA>C]AATGTCTTCCTAAATAGAAAAAAAGTTCAGGAAGTCATTTTCATAAAGAGTTTTAATAAA-3'

ClinVar aggregate classification (germline): Pathogenic (1 of 4 stars; one submission).

Submission:

Labcorp Genetics (formerly Invitae), Labcorp
Classification: Pathogenic. Last evaluated: 2023-08-16. Review status: criteria provided, single submitter. Criteria: Invitae Variant Classification Sherloc (09022015). Collection method: clinical testing. Allele origin: germline.
Comment: For these reasons, this variant has been classified as Pathogenic. This variant has not been reported in the literature in individuals affected with CEP152-related conditions. This variant is not present in population databases (gnomAD no frequency). This sequence change creates a premature translational stop signal (p.Cys395Alafs*4) in the CEP152 gene. It is expected to result in an absent or disrupted protein product. Loss-of-function variants in CEP152 are known to be pathogenic (PMID: 21131973).

Literature cited by the submitters: PubMed 21131973.